The following is an entry in ClinVar:

ClinVar aggregate classification (germline): Benign/Likely benign. Review status: criteria provided, multiple submitters, no conflicts (2 of 4 stars). 3 submissions from 3 submitters: Benign (1); Likely benign (2). Last evaluated 2026-01-03.

Conditions:
FGB-related disorder. Also called: FGB-related condition.

Allele frequency attached by ClinVar (database versions not stated): TOPMed 0.00012; ESP Exome Variant Server 0.00015; gnomAD 0.00032; gnomAD exomes 0.00064; ExAC 0.00140; 1000 Genomes Project 0.00180; 1000 Genomes Project 30x 0.00219.
gnomAD v4.1: 982 of 1,614,000 alleles (0.061%); highest among the groups gnomAD compares: South Asian, 0.94%; 14 homozygotes.

Submissions (3):

PreventionGenetics, part of Exact Sciences
Classification: Likely benign for FGB-related condition. Last evaluated: 2026-01-03. Review status: criteria provided, single submitter. Criteria: ACMG Guidelines, 2015. Collection method: clinical testing. Allele origin: germline.
Comment: This variant is classified as likely benign based on ACMG/AMP sequence variant interpretation guidelines (Richards et al. 2015 PMID: 25741868, with internal and published modifications).

Labcorp Genetics (formerly Invitae), Labcorp
Classification: Benign. Last evaluated: 2024-10-26. Review status: criteria provided, single submitter. Criteria: Invitae Variant Classification Sherloc (09022015). Collection method: clinical testing. Allele origin: germline.

CeGaT Center for Human Genetics Tuebingen
Classification: Likely benign. Last evaluated: 2022-07-01. Review status: criteria provided, single submitter. Criteria: CeGaT Center For Human Genetics Tuebingen Variant Classification Criteria Version 2. Collection method: clinical testing. Allele origin: germline. Affected: yes. Observed: 1 variant allele.
Comment: FGB: BP4, BP7

NM_005141.5(FGB):c.1329C>T (p.Asn443=)

Gene: FGB (fibrinogen beta chain; plus strand). Cytogenetic location: 4q31.3.
Variant type: single nucleotide variant.
Coding change: c.1329C>T on transcript NM_005141.5 (MANE Select); coding-DNA position 1329, C replaced by T.
Protein change: p.Asn443=; no amino-acid change (asparagine 443 retained).
Molecular consequence: synonymous variant. On other transcripts: intron variant (2), 3 prime UTR variant (1).
Genome position (GRCh38, 1-based): chr4:154,570,503, C>T. VCF-style: chr4-154570503-C-T. GRCh37 (hg19) VCF-style: chr4-155491655-C-T.
Other names: c.1245-6C>T (NM_001382761.1); c.1245-114C>T (NM_001382760.1); c.1152C>T, p.Asn384= (NM_001184741.1); c.1197C>T, p.Asn399= (NM_001382759.1); c.1029C>T, p.Asn343= (NM_001382762.1); c.1320C>T, p.Asn440= (NM_001382763.1); c.*103C>T (NM_001382764.1); c.1305C>T, p.Asn435= (NM_001382765.1).
Identifiers: ClinVar variation 2655148 (VCV002655148.27), dbSNP rs150650205, ClinGen allele CA3114776.